The following is an entry in ClinVar:

NM_005732.4(RAD50):c.2057G>A (p.Arg686Lys)

Gene: RAD50 (RAD50 double strand break repair protein; plus strand). Cytogenetic location: 5q31.1.
Variant type: single nucleotide variant.
Coding change: c.2057G>A on transcript NM_005732.4 (MANE Select); coding-DNA position 2057, G replaced by A.
Protein change: p.Arg686Lys; replaces arginine 686 with lysine.
Molecular consequence: missense variant.
Genome position (GRCh38, 1-based): chr5:132,595,660, G>A. VCF-style: chr5-132595660-G-A. GRCh37 (hg19) VCF-style: chr5-131931352-G-A.
Other names: short protein forms R686K.
Identifiers: ClinVar variation 3942178 (VCV003942178.1).

ClinVar aggregate classification (germline): Uncertain significance (1 of 4 stars; one submission).

Conditions:
Hereditary cancer-predisposing syndrome. Also called: Tumor predisposition; Hereditary neoplastic syndrome; Hereditary Cancer Syndrome; Neoplastic Syndromes, Hereditary. Identifiers: Orphanet 140162, MedGen C0027672, MeSH D009386, MONDO:0015356.

Submission:

Ambry Genetics
Classification: Uncertain significance for Hereditary cancer-predisposing syndrome. Last evaluated: 2025-05-01. Review status: criteria provided, single submitter. Criteria: Ambry Variant Classification Scheme 2023. Collection method: clinical testing. Allele origin: germline.
Comment: The p.R686K variant (also known as c.2057G>A), located in coding exon 13 of the RAD50 gene, results from a G to A substitution at nucleotide position 2057. The arginine at codon 686 is replaced by lysine, an amino acid with highly similar properties. This amino acid position is conserved. In addition, this alteration is predicted to be deleterious by in silico analysis. Based on the available evidence, the clinical significance of this variant remains unclear.